The following is an entry in ClinVar:

NM_015557.3(CHD5):c.5542G>C (p.Ala1848Pro)

Gene: CHD5 (chromodomain helicase DNA binding protein 5; minus strand). Cytogenetic location: 1p36.31.
Variant type: single nucleotide variant.
Coding change: c.5542G>C on transcript NM_015557.3 (MANE Select); coding-DNA position 5542, G replaced by C.
Protein change: p.Ala1848Pro; replaces alanine 1848 with proline.
Molecular consequence: missense variant.
Genome position (GRCh38, 1-based): chr1:6,109,831, C>G on the plus strand (G>C on the coding strand, the complement: CHD5 is on the minus strand). VCF-style: chr1-6109831-C-G. GRCh37 (hg19) VCF-style: chr1-6169891-C-G.
Other names: short protein forms A1848P.
Identifiers: ClinVar variation 3345038 (VCV003345038.1).

ClinVar aggregate classification (germline): Uncertain significance (0 of 4 stars; one submission).

Conditions:
CHD5-related disorder. Also called: CHD5-related condition.

gnomAD v4.1: 1 of 1,612,860 alleles (0.000062%); highest among the groups gnomAD compares: Middle Eastern, 0.017%; no homozygotes.

Submission:

PreventionGenetics, part of Exact Sciences
Classification: Uncertain significance for CHD5-related condition. Last evaluated: 2024-08-21. Review status: no assertion criteria provided. Collection method: clinical testing. Allele origin: germline.
Comment: The CHD5 c.5542G>C variant is predicted to result in the amino acid substitution p.Ala1848Pro. To our knowledge, this variant has not been reported in the literature or in a large population database, indicating this variant is rare. At this time, the clinical significance of this variant is uncertain due to the absence of conclusive functional and genetic evidence.